The following is an entry in ClinVar:

ClinVar aggregate classification (germline): Uncertain significance. Review status: criteria provided, multiple submitters, no conflicts (2 of 4 stars). 3 submissions from 3 submitters: Uncertain significance (3). Last evaluated 2025-01-21.

Conditions:
Inborn genetic diseases. Identifiers: MedGen C0950123, MeSH D030342.

Allele frequency attached by ClinVar (database versions not stated): gnomAD 0.00001; gnomAD exomes 0.00001; TOPMed 0.00001; ExAC 0.00005.
gnomAD v4.1: 20 of 1,539,428 alleles (0.0013%); highest among the groups gnomAD compares: Non-Finnish European, 0.0017%; no homozygotes.

Submissions (3):

Ambry Genetics
Classification: Uncertain significance for Inborn genetic diseases. Last evaluated: 2025-01-21. Review status: criteria provided, single submitter. Criteria: Ambry Variant Classification Scheme 2023. Collection method: clinical testing. Allele origin: germline.

Labcorp Genetics (formerly Invitae), Labcorp
Classification: Uncertain significance. Last evaluated: 2023-05-22. Review status: criteria provided, single submitter. Criteria: Invitae Variant Classification Sherloc (09022015). Collection method: clinical testing. Allele origin: germline.
Comment: This sequence change replaces aspartic acid, which is acidic and polar, with glutamic acid, which is acidic and polar, at codon 7 of the CHD8 protein (p.Asp7Glu). This variant is present in population databases (rs769940681, gnomAD 0.003%). This variant has not been reported in the literature in individuals affected with CHD8-related conditions. ClinVar contains an entry for this variant (Variation ID: 1308409). An algorithm developed to predict the effect of missense changes on protein structure and function (PolyPhen-2) suggests that this variant is likely to be disruptive. In summary, the available evidence is currently insufficient to determine the role of this variant in disease. Therefore, it has been classified as a Variant of Uncertain Significance.

GeneDx
Classification: Uncertain significance. Last evaluated: 2019-04-08. Review status: criteria provided, single submitter. Criteria: GeneDx Variant Classification Process June 2021. Collection method: clinical testing. Allele origin: germline. Affected: yes.
Comment: Not observed at a significant frequency in large population cohorts (Lek et al., 2016); In silico analysis, which includes protein predictors and evolutionary conservation, supports that this variant does not alter protein structure/function; Has not been previously published as pathogenic or benign to our knowledge

NM_001170629.2(CHD8):c.21T>G (p.Asp7Glu)

Gene: CHD8 (chromodomain helicase DNA binding protein 8; minus strand). Cytogenetic location: 14q11.2.
Variant type: single nucleotide variant.
Coding change: c.21T>G on transcript NM_001170629.2 (MANE Select); coding-DNA position 21, T replaced by G.
Protein change: p.Asp7Glu; replaces aspartic acid 7 with glutamic acid.
Molecular consequence: missense variant. On other transcripts: intron variant (1).
Genome position (GRCh38, 1-based): chr14:21,431,623, A>C on the plus strand (T>G on the coding strand, the complement: CHD8 is on the minus strand). VCF-style: chr14-21431623-A-C. GRCh37 (hg19) VCF-style: chr14-21899782-A-C.
Other names: c.6+188T>G (NM_020920.4); short protein forms D7E.
Identifiers: ClinVar variation 1308409 (VCV001308409.8), dbSNP rs769940681, ClinGen allele CA7091988.
Genomic context (GRCh38, chr14:21,431,623, plus strand): 5'-CTGGTTAAAGCTGTCATCAGTCAGAGAGTCCAGGCCAAATAAATTTGGGTCATCGAACAG[A>C]TCCATGATGGGGTCTGCCATCTTGGGAAAGTAATGGAGGGTACTTCTCCAAGGTCTAGGG-3'
Protein context (NP_001164100.1, residues 1-17): MADPIM[Asp7Glu]LFDDPNLFGL